The following is an entry in ClinVar:

NM_001042492.3(NF1):c.4568C>A (p.Ser1523Tyr)

Gene: NF1 (neurofibromin 1; plus strand). Cytogenetic location: 17q11.2.
Variant type: single nucleotide variant.
Coding change: c.4568C>A on transcript NM_001042492.3 (MANE Select); coding-DNA position 4568, C replaced by A.
Protein change: p.Ser1523Tyr; replaces serine 1523 with tyrosine.
Molecular consequence: missense variant.
Genome position (GRCh38, 1-based): chr17:31,260,506, C>A. VCF-style: chr17-31260506-C-A. GRCh37 (hg19) VCF-style: chr17-29587524-C-A.
Other names: c.4505C>A, p.Ser1502Tyr (NM_000267.4); short protein forms S1523Y, S1502Y.
Identifiers: ClinVar variation 2861465 (VCV002861465.3), dbSNP rs2151464848, ClinGen allele CA398999936.
Genomic context (GRCh38, chr17:31,260,506, plus strand): 5'-ATGTGCTTGCTTTACATCGTCTACTCTGGAACAATCAGGAGAAAATTGGGCAGTATCTTT[C>A]CAGCAACAGGTAAGATTTCCCAGTCATGGGGATAGTGAACACTCTCCGTTTAAATTTAGA-3'
Protein context (NP_001035957.1, residues 1513-1533): NNQEKIGQYL[Ser1523Tyr]SNRDHKAVGR

ClinVar aggregate classification (germline): Uncertain significance (1 of 4 stars; one submission).

Conditions:
Neurofibromatosis, type 1 (NF1). Also called: Neurofibromatosis, type I; NEUROFIBROMATOSIS, TYPE I, SOMATIC; Peripheral type neurofibromatosis; VON RECKLINGHAUSEN DISEASE. Identifiers: Orphanet 636, MedGen C0027831, MONDO:0018975, OMIM 162200. Disease mechanism: loss of function.

Submission:

Labcorp Genetics (formerly Invitae), Labcorp
Classification: Uncertain significance for Neurofibromatosis, type 1. Last evaluated: 2023-05-02. Review status: criteria provided, single submitter. Criteria: Invitae Variant Classification Sherloc (09022015). Collection method: clinical testing. Allele origin: germline.
Comment: This variant is not present in population databases (gnomAD no frequency). In summary, the available evidence is currently insufficient to determine the role of this variant in disease. Therefore, it has been classified as a Variant of Uncertain Significance. Advanced modeling of protein sequence and biophysical properties (such as structural, functional, and spatial information, amino acid conservation, physicochemical variation, residue mobility, and thermodynamic stability) performed at Invitae indicates that this missense variant is expected to disrupt NF1 protein function. This variant has not been reported in the literature in individuals affected with NF1-related conditions. This sequence change replaces serine, which is neutral and polar, with tyrosine, which is neutral and polar, at codon 1502 of the NF1 protein (p.Ser1502Tyr).